The following is an entry in ClinVar:

ClinVar aggregate classification (germline): Likely benign. Review status: criteria provided, multiple submitters, no conflicts (2 of 4 stars). 2 submissions from 2 submitters: Likely benign (2). Last evaluated 2023-11-03.

Conditions:
Pyogenic arthritis-pyoderma gangrenosum-acne syndrome (PAPA). Also called: PAPA SYNDROME; FAMILIAL RECURRENT ARTHRITIS. Identifiers: Orphanet 69126, MedGen C1858361, MONDO:0011462, OMIM 604416.

Allele frequency attached by ClinVar (database versions not stated): TOPMed 0.00001.

Submissions (2):

Labcorp Genetics (formerly Invitae), Labcorp
Classification: Likely benign for Pyogenic arthritis-pyoderma gangrenosum-acne syndrome. Last evaluated: 2023-11-03. Review status: criteria provided, single submitter. Criteria: Invitae Variant Classification Sherloc (09022015). Collection method: clinical testing. Allele origin: germline.

GeneDx
Classification: Likely benign. Last evaluated: 2016-08-04. Review status: criteria provided, single submitter. Criteria: GeneDx Variant Classification (06012015). Collection method: clinical testing. Allele origin: germline. Affected: yes.
Comment: This variant is considered likely benign or benign based on one or more of the following criteria: it is a conservative change, it occurs at a poorly conserved position in the protein, it is predicted to be benign by multiple in silico algorithms, and/or has population frequency not consistent with disease.

NM_003978.5(PSTPIP1):c.563-9C>T

Gene: PSTPIP1 (proline-serine-threonine phosphatase interacting protein 1; plus strand). Cytogenetic location: 15q24.3.
Variant type: single nucleotide variant.
Coding change: c.563-9C>T on transcript NM_003978.5 (MANE Select); 9 bases into the intron before coding-DNA position 563, C replaced by T.
Molecular consequence: intron variant.
Genome position (GRCh38, 1-based): chr15:77,030,493, C>T. VCF-style: chr15-77030493-C-T. GRCh37 (hg19) VCF-style: chr15-77322834-C-T.
Other names: c.758-9C>T (NM_001321137.1); c.536-9C>T (NM_001321136.2); c.563-9C>T (NM_001321135.2, LRG_172t1).
Identifiers: ClinVar variation 378881 (VCV000378881.9), dbSNP rs768152191, ClinGen allele CA7675885.